The following is an entry in ClinVar:

NM_001291303.3(FAT4):c.6719C>T (p.Thr2240Ile)

Gene: FAT4 (FAT atypical cadherin 4; plus strand). Cytogenetic location: 4q28.1.
Variant type: single nucleotide variant.
Coding change: c.6719C>T on transcript NM_001291303.3 (MANE Select); coding-DNA position 6719, C replaced by T.
Protein change: p.Thr2240Ile; replaces threonine 2240 with isoleucine.
Molecular consequence: missense variant.
Genome position (GRCh38, 1-based): chr4:125,415,682, C>T. VCF-style: chr4-125415682-C-T. GRCh37 (hg19) VCF-style: chr4-126336837-C-T.
Other names: c.6719C>T, p.Thr2240Ile (NM_001291285.3, NM_024582.6); short protein forms T2240I.
Identifiers: ClinVar variation 426887 (VCV000426887.4), dbSNP rs774192877, ClinGen allele CA3072970.
Genomic context (GRCh38, chr4:125,415,682, plus strand): 5'-AAAAGACCCCTACCTACCATTTAACTGTTCAGGCAACAGATCGAGGCAGCACACCCAGAA[C>T]TGATACCTCCACGGTCAGCATTGTTCTACTGGATATTAATGACTTTGTTCCTGTATTTGA-3'
Protein context (NP_001278232.1, residues 2230-2250): QATDRGSTPR[Thr2240Ile]DTSTVSIVLL

ClinVar aggregate classification (germline): Uncertain significance. Review status: criteria provided, multiple submitters, no conflicts (2 of 4 stars). 2 submissions from 2 submitters: Uncertain significance (2). Last evaluated 2022-10-26.

Allele frequency attached by ClinVar (database versions not stated): gnomAD exomes below 0.00001; ExAC 0.00001; TOPMed 0.00001.
gnomAD v4.1: 1 of 1,614,044 alleles (0.000062%); highest among the groups gnomAD compares: Non-Finnish European, 0.000085%; no homozygotes.

Submissions (2):

Labcorp Genetics (formerly Invitae), Labcorp
Classification: Uncertain significance. Last evaluated: 2022-10-26. Review status: criteria provided, single submitter. Criteria: Invitae Variant Classification Sherloc (09022015). Collection method: clinical testing. Allele origin: germline.
Comment: This sequence change replaces threonine, which is neutral and polar, with isoleucine, which is neutral and non-polar, at codon 2240 of the FAT4 protein (p.Thr2240Ile). This variant is present in population databases (rs774192877, gnomAD 0.0009%). This variant has not been reported in the literature in individuals affected with FAT4-related conditions. ClinVar contains an entry for this variant (Variation ID: 426887). Advanced modeling of protein sequence and biophysical properties (such as structural, functional, and spatial information, amino acid conservation, physicochemical variation, residue mobility, and thermodynamic stability) performed at Invitae indicates that this missense variant is not expected to disrupt FAT4 protein function. In summary, the available evidence is currently insufficient to determine the role of this variant in disease. Therefore, it has been classified as a Variant of Uncertain Significance.

GeneDx
Classification: Uncertain significance. Last evaluated: 2017-03-29. Review status: criteria provided, single submitter. Criteria: GeneDx Variant Classification (06012015). Collection method: clinical testing. Allele origin: germline. Affected: yes.
Comment: A variant of uncertain significance has been identified in the FAT4 gene. The T2240I variant has not been published as a pathogenic variant, nor has it been reported as a benign variant to our knowledge. The T2240I variant is not observed at a significant frequency in large population cohorts (Lek et al., 2016; 1000 Genomes Consortium et al., 2015; Exome Variant Server). The T2240I variant is a non-conservative amino acid substitution, which is likely to impact secondary protein structure as these residues differ in polarity, charge, size and/or other properties. However, this substitution occurs at a position that is not conserved, and in silico analysis predicts this variant likely does not alter the protein structure/function. Therefore, based on the currently available information, it is unclear whether this variant is a pathogenic variant or a rare benign variant.